The following is an entry in ClinVar:

ClinVar aggregate classification (germline): Uncertain significance. Review status: criteria provided, multiple submitters, no conflicts (2 of 4 stars). 2 submissions from 2 submitters: Uncertain significance (2). Last evaluated 2022-04-19.

Conditions:
D-2-hydroxyglutaric aciduria 1 (D2HGA1). Identifiers: Orphanet 79315, MedGen C3152055, MONDO:0024554, OMIM 600721.

Allele frequency attached by ClinVar (database versions not stated): ExAC 0.00002; gnomAD 0.00002; gnomAD exomes 0.00002 and 0.00004; TOPMed 0.00005.
gnomAD v4.1: 54 of 1,612,722 alleles (0.0033%); highest among the groups gnomAD compares: Non-Finnish European, 0.0044%; no homozygotes.

Submissions (2):

Baylor Genetics
Classification: Uncertain significance for D-2-hydroxyglutaric aciduria 1. Last evaluated: 2022-04-19. Review status: criteria provided, single submitter. Criteria: ACMG Guidelines, 2015. Collection method: clinical testing. Allele origin: unknown.

GeneDx
Classification: Uncertain significance. Last evaluated: 2019-06-05. Review status: criteria provided, single submitter. Criteria: GeneDx Variant Classification Process June 2021. Collection method: clinical testing. Allele origin: germline. Affected: yes.
Comment: In silico analysis, which includes protein predictors and evolutionary conservation, supports that this variant does not alter protein structure/function; This variant is associated with the following publications: (PMID: 30908763, 20020533)

NM_152783.5(D2HGDH):c.1337C>T (p.Ala446Val)

Gene: D2HGDH (D-2-hydroxyglutarate dehydrogenase; plus strand). Cytogenetic location: 2q37.3.
Variant type: single nucleotide variant.
Coding change: c.1337C>T on transcript NM_152783.5 (MANE Select); coding-DNA position 1337, C replaced by T.
Protein change: p.Ala446Val; replaces alanine 446 with valine.
Molecular consequence: missense variant. On other transcripts: non-coding transcript variant (1).
Genome position (GRCh38, 1-based): chr2:241,767,740, C>T. VCF-style: chr2-241767740-C-T. GRCh37 (hg19) VCF-style: chr2-242707155-C-T.
Other names: c.935C>T, p.Ala312Val (NM_001287249.2); c.776C>T, p.Ala259Val (NM_001352824.2); short protein forms A259V, A312V, A446V.
Identifiers: ClinVar variation 1217199 (VCV001217199.4), dbSNP rs746956176, ClinGen allele CA2222208.